The following is an entry in ClinVar:

NM_001368067.1(LDB3):c.776G>A (p.Arg259His)

Gene: LDB3 (LIM domain binding 3; plus strand). Cytogenetic location: 10q23.2.
Variant type: single nucleotide variant.
Coding change: c.776G>A on transcript NM_001368067.1 (MANE Plus Clinical); coding-DNA position 776, G replaced by A.
Protein change: p.Arg259His; replaces arginine 259 with histidine.
Molecular consequence: missense variant. On other transcripts: intron variant (6).
Genome position (GRCh38, 1-based): chr10:86,699,298, G>A. VCF-style: chr10-86699298-G-A. GRCh37 (hg19) VCF-style: chr10-88459055-G-A.
Other names: c.917G>A, p.Arg306His (NM_001080115.2, NM_001368063.1); c.776G>A, p.Arg259His (NM_001080116.1, NM_001368068.1); c.1121G>A, p.Arg374His (NM_001171611.2); c.896+6727G>A (NM_001368064.1, NM_007078.3, NM_001368065.1); c.1100+6727G>A (NM_001171610.2); c.755+6727G>A (NM_001368066.1, NM_001080114.2); short protein forms R306H, R374H, R259H.
Identifiers: ClinVar variation 1416592 (VCV001416592.6), dbSNP rs557033441, ClinGen allele CA5584973.

ClinVar aggregate classification (germline): Uncertain significance (1 of 4 stars; one submission).

Conditions:
Myofibrillar myopathy 4. Also called: Zaspopathy (type). Identifiers: Orphanet 98912, MedGen C4721886, MONDO:0012277, OMIM 609452.

Allele frequency attached by ClinVar (database versions not stated): gnomAD 0.00001 and 0.00002; gnomAD exomes 0.00001; ExAC 0.00002; TOPMed 0.00002; 1000 Genomes Project 30x 0.00016; 1000 Genomes Project 0.00020.
gnomAD v4.1: 28 of 1,613,296 alleles (0.0017%); highest among the groups gnomAD compares: African/African-American, 0.0053%; no homozygotes.

Submission:

Labcorp Genetics (formerly Invitae), Labcorp
Classification: Uncertain significance for Myofibrillar myopathy 4. Last evaluated: 2025-12-14. Review status: criteria provided, single submitter. Criteria: Invitae Variant Classification Sherloc (09022015). Collection method: clinical testing. Allele origin: germline.
Comment: This sequence change replaces arginine, which is basic and polar, with histidine, which is basic and polar, at codon 259 of the LDB3 protein (p.Arg259His). This variant is present in population databases (rs557033441, gnomAD 0.004%). This missense change has been observed in individual(s) with sudden unexpected infant death (PMID: 38895864). This variant is also known as p.Arg306His. ClinVar contains an entry for this variant (Variation ID: 1416592). An algorithm developed to predict the effect of missense changes on protein structure and function (PolyPhen-2) suggests that this variant is likely to be disruptive. In summary, the available evidence is currently insufficient to determine the role of this variant in disease. Therefore, it has been classified as a Variant of Uncertain Significance.

Literature cited by the submitters: PubMed 38895864.